The following is an entry in ClinVar:

NM_002470.4(MYH3):c.5457+3G>A

Gene: MYH3 (myosin heavy chain 3; minus strand). Cytogenetic location: 17p13.1.
Variant type: single nucleotide variant.
Coding change: c.5457+3G>A on transcript NM_002470.4 (MANE Select); 3 bases into the intron after coding-DNA position 5457, G replaced by A.
Molecular consequence: intron variant.
Genome position (GRCh38, 1-based): chr17:10,630,285, C>T on the plus strand (G>A on the coding strand, the complement: MYH3 is on the minus strand). VCF-style: chr17-10630285-C-T. GRCh37 (hg19) VCF-style: chr17-10533602-C-T.
Identifiers: ClinVar variation 129665 (VCV000129665.28), dbSNP rs200954595, ClinGen allele CA153807.

ClinVar aggregate classification (germline): Benign. Review status: criteria provided, multiple submitters, no conflicts (2 of 4 stars). 10 submissions from 9 submitters: Benign (6). 4 of the submissions do not count toward it. Last evaluated 2026-02-03.

Conditions:
Distal arthrogryposis type 2B1 (DA2B1). Also called: Arthrogryposis multiplex congenita distal type II with craniofacial abnormalities. Identifiers: Orphanet 1147, MedGen C5193014, MONDO:0020820, OMIM 601680.
Freeman-Sheldon syndrome (DA2A). Also called: CRANIOCARPOTARSAL DYSPLASIA; CRANIOCARPOTARSAL DYSTROPHY; Arthrogryposis, distal, type 2A (Freeman-Sheldon); WHISTLING FACE-WINDMILL VANE HAND SYNDROME. Identifiers: Orphanet 2053, MedGen C0265224, MONDO:0008675, OMIM 193700.

Allele frequency attached by ClinVar (database versions not stated): 1000 Genomes Project 30x 0.00859; 1000 Genomes Project 0.00919; TOPMed 0.02058; gnomAD 0.02391 and 0.02449; gnomAD exomes 0.02421 and 0.03349; ExAC 0.02436; ESP Exome Variant Server 0.02537.
gnomAD v4.1: 52,242 of 1,614,084 alleles (3.2%); highest among the groups gnomAD compares: Non-Finnish European, 3.8%; 1,002 homozygotes.

Submissions (10):

Labcorp Genetics (formerly Invitae), Labcorp
Classification: Benign. Last evaluated: 2026-02-03. Review status: criteria provided, single submitter. Criteria: Invitae Variant Classification Sherloc (09022015). Collection method: clinical testing. Allele origin: germline.

GeneDx
Classification: Benign. Last evaluated: 2021-02-08. Review status: criteria provided, single submitter. Criteria: GeneDx Variant Classification Process June 2021. Collection method: clinical testing. Allele origin: germline. Affected: yes.

Illumina Laboratory Services, Illumina
Classification: Benign for Freeman-Sheldon syndrome. Last evaluated: 2018-01-12. Review status: criteria provided, single submitter. Criteria: ICSL Variant Classification Criteria 13 December 2019. Collection method: clinical testing. Allele origin: germline.
Comment: This variant was observed in the ICSL laboratory as part of a predisposition screen in an ostensibly healthy population. It had not been previously curated by ICSL or reported in the Human Gene Mutation Database (HGMD: prior to June 1st, 2018), and was therefore a candidate for classification through an automated scoring system. Utilizing variant allele frequency, disease prevalence and penetrance estimates, and inheritance mode, an automated score was calculated to assess if this variant is too frequent to cause the disease. Based on the score and internal cut-off values, a variant classified as benign is not then subjected to further curation. The score for this variant resulted in a classification of benign for this disease.

Illumina Laboratory Services, Illumina
Classification: Benign for Distal arthrogryposis type 2B1. Last evaluated: 2018-01-12. Review status: criteria provided, single submitter. Criteria: ICSL Variant Classification Criteria 13 December 2019. Collection method: clinical testing. Allele origin: germline.
Comment: the same text as in the submission from Illumina Laboratory Services, Illumina above.

Breakthrough Genomics
Classification: Benign. Review status: criteria provided, single submitter. Criteria: ACMG Guidelines, 2015. Collection method: not provided. Allele origin: germline. Inheritance: Autosomal recessive inheritance. Affected: yes.

PreventionGenetics, part of Exact Sciences
Classification: Benign. Review status: criteria provided, single submitter. Criteria: ACMG Guidelines, 2015. Collection method: clinical testing. Allele origin: germline.

Clinical Genetics, Academic Medical Center
Classification: Benign. Review status: no assertion criteria provided. Collection method: clinical testing. Allele origin: germline. Affected: yes. Study: VKGL Data-share Consensus. Not counted in ClinVar's aggregate classification.

Genetic Services Laboratory, University of Chicago
Classification: Likely benign for AllHighlyPenetrant. Review status: no assertion criteria provided. Collection method: clinical testing. Allele origin: germline. Inheritance: Autosomal dominant inheritance. Not counted in ClinVar's aggregate classification.
Comment: Likely benign based on allele frequency in 1000 Genomes Project or ESP global frequency and its presence in a patient with a rare or unrelated disease phenotype. NOT Sanger confirmed.

Genome Diagnostics Laboratory, University Medical Center Utrecht
Classification: Benign. Review status: no assertion criteria provided. Collection method: clinical testing. Allele origin: germline. Affected: yes. Study: VKGL Data-share Consensus. Not counted in ClinVar's aggregate classification.

Joint Genome Diagnostic Labs from Nijmegen and Maastricht, Radboudumc and MUMC+
Classification: Benign. Review status: no assertion criteria provided. Collection method: clinical testing. Allele origin: germline. Affected: yes. Study: VKGL Data-share Consensus. Not counted in ClinVar's aggregate classification.